The following is an entry in ClinVar:

NM_006236.3(POU3F3):c.614_620dup (p.Ser208fs)

Gene: POU3F3 (POU class 3 homeobox 3; plus strand). Cytogenetic location: 2q12.1.
Variant type: Duplication.
Coding change: c.614_620dup on transcript NM_006236.3 (MANE Select); coding-DNA positions 614 to 620, 7 bases duplicated (ACCTCCC; older notation c.614_620dupACCTCCC).
Protein change: p.Ser208fs; shifts the reading frame from serine 208.
Molecular consequence: frameshift variant.
Genome position (GRCh38, 1-based): chr2:104,856,124-104,856,130, ACCTCCC duplicated; duplicating any 7 consecutive bases within chr2:104,856,123-104,856,130 gives the same sequence; the c. name uses the placement nearest the transcript's 3' end. VCF-style (leftmost placement, unchanged base first): chr2-104856122-G-GCACCTCC. GRCh37 (hg19) VCF-style: chr2-105472580-G-GCACCTCC.
Other names: short protein forms S208fs.
Identifiers: ClinVar variation 2295035 (VCV002295035.2), dbSNP rs2466875711, ClinGen allele CA2580063705.
Genomic context (GRCh38, chr2:104,856,122, plus strand): 5'-TGGGGGCTGGGGGGCGGCCGCCGCTGCCGCAGCCGCAGCCGCCGCCGCCGCCGCCGCCGC[G>GCACCTCC]CACCTCCCGTCCATGGCCGGGGGCCAGCAGCCGCCGCCGCAGAGTCTGCTCTACTCGCAG-3'

ClinVar aggregate classification (germline): Pathogenic (1 of 4 stars; one submission).

Conditions:
Inborn genetic diseases. Identifiers: MedGen C0950123, MeSH D030342.

Submission:

Ambry Genetics
Classification: Pathogenic for Inborn genetic diseases. Last evaluated: 2022-07-14. Review status: criteria provided, single submitter. Criteria: Ambry Variant Classification Scheme 2023. Collection method: clinical testing. Allele origin: germline.
Comment: The c.614_620dupACCTCCC (p.S208Pfs*297) alteration, located in exon 1 (coding exon 1) of the POU3F3 gene, consists of a duplication of ACCTCCC at position 614, causing a translational frameshift with a predicted alternate stop codon after 297 amino acids. Frameshifts are typically deleterious in nature; however, because POU3F3 is a single-exon gene this alteration is not expected to trigger nonsense-mediated mRNA decay and a truncated protein could still be expressed (Maquat, 2004). This alteration impacts the last 292 amino acids of the protein and downstream nonsense and frameshift variants have been reported to be disease-causing (Snijders Blok, 2019). This variant was not reported in population-based cohorts in the Genome Aggregation Database (gnomAD). Based on the available evidence, this alteration is classified as pathogenic.

Literature cited by the submitters: PubMed 31303265.